The following is an entry in ClinVar:

NM_020461.4(TUBGCP6):c.698C>T (p.Pro233Leu)

Gene: TUBGCP6 (tubulin gamma complex component 6; minus strand). Cytogenetic location: 22q13.33.
Variant type: single nucleotide variant.
Coding change: c.698C>T on transcript NM_020461.4 (MANE Select); coding-DNA position 698, C replaced by T.
Protein change: p.Pro233Leu; replaces proline 233 with leucine.
Molecular consequence: missense variant.
Genome position (GRCh38, 1-based): chr22:50,243,762, G>A on the plus strand (C>T on the coding strand, the complement: TUBGCP6 is on the minus strand). VCF-style: chr22-50243762-G-A. GRCh37 (hg19) VCF-style: chr22-50682191-G-A.
Other names: c.698C>T (NM_020461.3); short protein forms P233L.
Identifiers: ClinVar variation 1011615 (VCV001011615.9), dbSNP rs2064878715, ClinGen allele CA412114294.

ClinVar aggregate classification (germline): Uncertain significance. Review status: criteria provided, multiple submitters, no conflicts (2 of 4 stars). 2 submissions from 2 submitters: Uncertain significance (2). Last evaluated 2023-04-18.

Conditions:
Inborn genetic diseases. Identifiers: MedGen C0950123, MeSH D030342.

Allele frequency attached by ClinVar (database versions not stated): gnomAD exomes below 0.00001; TOPMed below 0.00001.
gnomAD v4.1: 4 of 1,613,632 alleles (0.00025%); highest among the groups gnomAD compares: South Asian, 0.0011%; no homozygotes.

Submissions (2):

Ambry Genetics
Classification: Uncertain significance for Inborn genetic diseases. Last evaluated: 2023-04-18. Review status: criteria provided, single submitter. Criteria: Ambry Variant Classification Scheme 2023. Collection method: clinical testing. Allele origin: germline.

Labcorp Genetics (formerly Invitae), Labcorp
Classification: Uncertain significance. Last evaluated: 2022-02-23. Review status: criteria provided, single submitter. Criteria: Invitae Variant Classification Sherloc (09022015). Collection method: clinical testing. Allele origin: germline.
Comment: This variant is not present in population databases (gnomAD no frequency). This variant has not been reported in the literature in individuals affected with TUBGCP6-related conditions. ClinVar contains an entry for this variant (Variation ID: 1011615). Algorithms developed to predict the effect of missense changes on protein structure and function are either unavailable or do not agree on the potential impact of this missense change (SIFT: "Deleterious"; PolyPhen-2: "Probably Damaging"; Align-GVGD: "Class C0"). In summary, the available evidence is currently insufficient to determine the role of this variant in disease. Therefore, it has been classified as a Variant of Uncertain Significance. This sequence change replaces proline, which is neutral and non-polar, with leucine, which is neutral and non-polar, at codon 233 of the TUBGCP6 protein (p.Pro233Leu).